The following is an entry in ClinVar:

NM_001035.3(RYR2):c.3152G>A (p.Arg1051His)

Gene: RYR2 (ryanodine receptor 2; plus strand). Cytogenetic location: 1q43.
Variant type: single nucleotide variant.
Coding change: c.3152G>A on transcript NM_001035.3 (MANE Select); coding-DNA position 3152, G replaced by A.
Protein change: p.Arg1051His; replaces arginine 1051 with histidine.
Molecular consequence: missense variant.
Genome position (GRCh38, 1-based): chr1:237,550,629, G>A. VCF-style: chr1-237550629-G-A. GRCh37 (hg19) VCF-style: chr1-237713929-G-A.
Other names: p.R1051H:CGC>CAC; short protein forms R1051H.
Identifiers: ClinVar variation 43765 (VCV000043765.44), dbSNP rs79457258, ClinGen allele CA009104.
Genomic context (GRCh38, chr1:237,550,629, plus strand): 5'-GCCTTGTTCCCTACACTCTTCTGGATGACCGAACCAAGAAATCCAACAAGGACAGCCTCC[G>A]CGAGGCTGTGCGCACGCTGCTGGGGTACGGCTACAACTTGGAAGCACCAGATCAAGATCA-3'
Protein context (NP_001026.2, residues 1041-1061): RTKKSNKDSL[Arg1051His]EAVRTLLGYG

ClinVar aggregate classification (germline): Conflicting classifications of pathogenicity. Review status: criteria provided, conflicting classifications (1 of 4 stars). 18 submissions from 18 submitters: Uncertain significance (8); Likely benign (4). 6 of the submissions do not count toward it. Last evaluated 2026-01-27.

Conditions:
Catecholaminergic polymorphic ventricular tachycardia 1. Also called: VENTRICULAR TACHYCARDIA, CATECHOLAMINERGIC POLYMORPHIC, 1, WITH OR WITHOUT ATRIAL DYSFUNCTION AND/OR DILATED CARDIOMYOPATHY; VENTRICULAR TACHYCARDIA, STRESS-INDUCED POLYMORPHIC 1; RYR2-Related Catecholaminergic Polymorphic Ventricular Tachycardia. Identifiers: Orphanet 3286, MedGen C1631597, MONDO:0011484, OMIM 604772.
Ventricular arrhythmias due to cardiac ryanodine receptor calcium release deficiency syndrome. Also called: Autosomal dominant cardiac arrhythmia (Kuhn). Identifiers: MedGen C5542154, MONDO:0020745, OMIM 115000.
Cardiovascular phenotype. Identifiers: MedGen CN230736.
Cardiomyopathy (CMYO). Also called: Cardiomyopathies. Identifiers: Orphanet 167848, MedGen C0878544, MONDO:0004994, HP:0001638. Inheritance: Various modes of inheritance.
Catecholaminergic polymorphic ventricular tachycardia (CVPT). Also called: Catecholamine-induced polymorphic ventricular tachycardia. Identifiers: Orphanet 3286, MedGen C5574922, MONDO:0017990.

Allele frequency attached by ClinVar (database versions not stated): gnomAD exomes 0.00008; ExAC 0.00009; gnomAD 0.00014 and 0.00015; TOPMed 0.00015; 1000 Genomes Project 30x 0.00016; 1000 Genomes Project 0.00020; ESP Exome Variant Server 0.00025.
gnomAD v4.1: 354 of 1,587,250 alleles (0.022%); highest among the groups gnomAD compares: Non-Finnish European, 0.029%; no homozygotes.

Submissions (18):

Labcorp Genetics (formerly Invitae), Labcorp
Classification: Uncertain significance for Catecholaminergic polymorphic ventricular tachycardia 1. Last evaluated: 2026-01-27. Review status: criteria provided, single submitter. Criteria: Invitae Variant Classification Sherloc (09022015). Collection method: clinical testing. Allele origin: germline.
Comment: This sequence change replaces arginine, which is basic and polar, with histidine, which is basic and polar, at codon 1051 of the RYR2 protein (p.Arg1051His). This variant is present in population databases (rs79457258, gnomAD 0.02%). This missense change has been observed in individual(s) with RYR2-related conditions (PMID: 24503780, 29453246, 37198425, 37937776). ClinVar contains an entry for this variant (Variation ID: 43765). Invitae Evidence Modeling of protein sequence and biophysical properties (such as structural, functional, and spatial information, amino acid conservation, physicochemical variation, residue mobility, and thermodynamic stability) indicates that this missense variant is not expected to disrupt RYR2 protein function with a negative predictive value of 95%. In summary, the available evidence is currently insufficient to determine the role of this variant in disease. Therefore, it has been classified as a Variant of Uncertain Significance.

Ambry Genetics
Classification: Uncertain significance for Cardiovascular phenotype. Last evaluated: 2026-01-05. Review status: criteria provided, single submitter. Criteria: Ambry Variant Classification Scheme 2023. Collection method: clinical testing. Allele origin: germline.
Comment: The c.3152G>A (p.R1051H) alteration is located in exon 27 (coding exon 27) of the RYR2 gene. This alteration results from a G to A substitution at nucleotide position 3152, causing the arginine (R) at amino acid position 1051 to be replaced by a histidine (H). Based on data from gnomAD, the A allele has an overall frequency of 0.009% (21/233926) total alleles studied. The highest observed frequency was 0.018% (19/103512) of European (non-Finnish) alleles. Based on insufficient or conflicting evidence, the clinical significance of this alteration remains unclear.

Color Diagnostics, LLC DBA Color Health
Classification: Likely benign for Cardiomyopathy. Last evaluated: 2025-04-10. Review status: criteria provided, single submitter. Criteria: ACMG Guidelines, 2015. Collection method: clinical testing. Allele origin: germline.

All of Us Research Program, National Institutes of Health
Classification: Uncertain significance for Catecholaminergic polymorphic ventricular tachycardia. Last evaluated: 2024-09-23. Review status: criteria provided, single submitter. Criteria: ACMG Guidelines, 2015. Collection method: clinical testing. Allele origin: germline. Inheritance: Autosomal dominant inheritance. Observed: 39 variant alleles, 39 heterozygotes.
Comment: This missense variant replaces arginine with histidine at codon 1051 of the RYR2 protein. Computational prediction suggests that this variant may have deleterious impact on protein structure and function (internally defined REVEL score threshold >= 0.7, PMID: 27666373). To our knowledge, functional studies have not been reported for this variant. This variant has been reported in a few individuals affected with dilated cardiomyopathy (PMID: 24503780, 27532257, 37198425), in an individual who experienced sudden unexplained death (PMID: 37614113), and in an individual suspected of having catecholaminergic polymorphic ventricular tachycardia (PMID: 29453246). This variant has also been identified in 21/233926 chromosomes in the general population by the Genome Aggregation Database (gnomAD). The available evidence is insufficient to determine the role of this variant in disease conclusively. Therefore, this variant is classified as a Variant of Uncertain Significance.

This study involves interpretation of variants in research participants for the purpose of population health screening. Participant phenotype was not available at the time of variant classification. Additional details can be found in publication PMID: 35346344, PMCID: PMC8962531

GeneDx
Classification: Uncertain significance. Last evaluated: 2024-09-16. Review status: criteria provided, single submitter. Criteria: GeneDx Variant Classification Process June 2021. Collection method: clinical testing. Allele origin: germline. Affected: yes.
Comment: Reported in association with DCM, ARVC, and sudden unexplained death; however, at least one of these patients also harbored other cardiogenetic variants (PMID: 24503780, 27532257, 29453246, 37614113); In silico analysis supports that this missense variant has a deleterious effect on protein structure/function; Not located in one of the three hot-spot regions of the RYR2 gene, where the majority of pathogenic missense variants occur (PMID: 19926015); This variant is associated with the following publications: (PMID: 27532257, 28404607, 19926015, 29453246, 37614113, 37937776, 24503780)

Blueprint Genetics
Classification: Likely benign. Last evaluated: 2024-06-06. Review status: criteria provided, single submitter. Criteria: ACMG Guidelines, 2015. Collection method: clinical testing. Allele origin: germline.

KardioGenetik, Herz- und Diabeteszentrum NRW
Classification: Uncertain significance for Catecholaminergic polymorphic ventricular tachycardia 1. Last evaluated: 2023-10-09. Review status: criteria provided, single submitter. Criteria: ACMG Guidelines, 2015. Collection method: clinical testing. Allele origin: unknown. Observed: 1 variant allele.

Women's Health and Genetics/Laboratory Corporation of America, LabCorp
Classification: Likely benign. Last evaluated: 2023-06-19. Review status: criteria provided, single submitter. Criteria: LabCorp Variant Classification Summary - May 2015. Collection method: clinical testing. Allele origin: germline.
Comment: Variant summary: RYR2 c.3152G>A (p.Arg1051His) results in a non-conservative amino acid change located in the B30.2/SPRY domain (IPR001870) and Ryanodine receptor domain (IPR003032) of the encoded protein sequence. Four of five in-silico tools predict a damaging effect of the variant on protein function. The variant allele was found at a frequency of 8.4e-05 (e.g., 17 heterozygotes) in 202534 control chromosomes, predominantly at a frequency of 0.00018 within the Non-Finnish European subpopulation in the gnomAD database (v2.1, Exomes dataset). The observed variant frequency within Non-Finnish European control individuals in the gnomAD database is approximately 5.24 fold of the estimated maximal expected allele frequency for a pathogenic variant in RYR2 causing Catecholaminergic Polymorphic Ventricular Tachycardia phenotype (3.4e-05), strongly suggesting that the variant is a benign polymorphism found primarily in populations of Non-Finnish European origin. c.3152G>A has been reported in the literature in individuals affected with dilated cardiomyopathy and at least one individual with suspected Catecholaminergic Polymorphic Ventricular Tachycardia (e.g., Pugh_2014, Walsh_2017, Kapplinger_2018), however without strong evidence for causality (e.g, lack of co-occurrence and co-segregation data) in all cases. These reports therefore do not provide unequivocal conclusions about association of the variant with Catecholaminergic Polymorphic Ventricular Tachycardia. To our knowledge, no experimental evidence demonstrating an impact on protein function has been reported. The following publications have been ascertained in the context of this evaluation (PMID: 29453246, 24503780, 27532257). Six submitters have cited clinical-significance assessments for this variant to ClinVar after 2014 with conflicting assessments: 5 submitters classified the variant as VUS and 1 submitter classified the variant as likely benign. Based on the evidence outlined above, the variant was classified as likely benign.

Department of Pathology and Laboratory Medicine, Sinai Health System
Classification: Uncertain significance for Ventricular arrhythmias due to cardiac ryanodine receptor calcium release deficiency syndrome; Catecholaminergic polymorphic ventricular tachycardia 1. Last evaluated: 2022-01-13. Review status: criteria provided, single submitter. Criteria: ACMG Guidelines, 2015. Collection method: research. Allele origin: germline.

MVZ Martinsried, Medicover Genetics
Classification: Uncertain significance for Catecholaminergic polymorphic ventricular tachycardia 1. Last evaluated: 2020-01-31. Review status: criteria provided, single submitter. Criteria: ACMG Guidelines, 2015. Collection method: clinical testing. Allele origin: unknown. Affected: yes.

Laboratory for Molecular Medicine, Mass General Brigham Personalized Medicine
Classification: Likely benign. Last evaluated: 2019-10-18. Review status: criteria provided, single submitter. Criteria: LMM Criteria. Collection method: clinical testing. Allele origin: germline. Observed: 1 variant allele.
Comment: proposed classification - variant undergoing re-assessment, contact laboratory

Eurofins Ntd Llc (ga)
Classification: Uncertain significance. Last evaluated: 2016-11-29. Review status: criteria provided, single submitter. Criteria: EGL Classification Definitions 2015. Collection method: clinical testing. Allele origin: germline. Observed: 1 variant allele, 1 heterozygote.

Clinical Genetics DNA and cytogenetics Diagnostics Lab, Erasmus MC, Erasmus Medical Center
Classification: Uncertain significance. Review status: no assertion criteria provided. Collection method: clinical testing. Allele origin: germline. Affected: yes. Study: VKGL Data-share Consensus. Not counted in ClinVar's aggregate classification.

Clinical Genetics, Academic Medical Center
Classification: Uncertain significance. Review status: no assertion criteria provided. Collection method: clinical testing. Allele origin: germline. Affected: yes. Study: VKGL Data-share Consensus. Not counted in ClinVar's aggregate classification.

Diagnostic Laboratory, Department of Genetics, University Medical Center Groningen
Classification: Uncertain significance. Review status: no assertion criteria provided. Collection method: clinical testing. Allele origin: germline. Affected: yes. Study: VKGL Data-share Consensus. Not counted in ClinVar's aggregate classification.

Genome Diagnostics Laboratory, University Medical Center Utrecht
Classification: Uncertain significance. Review status: no assertion criteria provided. Collection method: clinical testing. Allele origin: germline. Affected: yes. Study: VKGL Data-share Consensus. Not counted in ClinVar's aggregate classification.

Joint Genome Diagnostic Labs from Nijmegen and Maastricht, Radboudumc and MUMC+
Classification: Uncertain significance. Review status: no assertion criteria provided. Collection method: clinical testing. Allele origin: germline. Affected: yes. Study: VKGL Data-share Consensus. Not counted in ClinVar's aggregate classification.

Laboratory of Diagnostic Genome Analysis, Leiden University Medical Center (LUMC)
Classification: Uncertain significance. Review status: no assertion criteria provided. Collection method: clinical testing. Allele origin: germline. Affected: yes. Study: VKGL Data-share Consensus. Not counted in ClinVar's aggregate classification.

Literature cited by the submitters: PubMed 24503780 (cited by 3 submitters); PubMed 29453246 (cited by 3 submitters); PubMed 37198425 (cited by Labcorp Genetics (formerly Invitae), Labcorp and All of Us Research Program, National Institutes of Health); PubMed 37937776 (cited by Labcorp Genetics (formerly Invitae), Labcorp); PubMed 27532257 (cited by 3 submitters); PubMed 37614113 (cited by All of Us Research Program, National Institutes of Health); PubMed 19216760 (cited by Laboratory for Molecular Medicine, Mass General Brigham Personalized Medicine); PubMed 24025405 (cited by Laboratory for Molecular Medicine, Mass General Brigham Personalized Medicine); PubMed 19926015 (cited by Laboratory for Molecular Medicine, Mass General Brigham Personalized Medicine).